The following is an entry in ClinVar:

NM_000271.5(NPC1):c.3356G>A (p.Cys1119Tyr)

Gene: NPC1 (NPC intracellular cholesterol transporter 1; minus strand). Cytogenetic location: 18q11.2.
Variant type: single nucleotide variant.
Coding change: c.3356G>A on transcript NM_000271.5 (MANE Select); coding-DNA position 3356, G replaced by A.
Protein change: p.Cys1119Tyr; replaces cysteine 1119 with tyrosine.
Molecular consequence: missense variant.
Genome position (GRCh38, 1-based): chr18:23,535,590, C>T on the plus strand (G>A on the coding strand, the complement: NPC1 is on the minus strand). VCF-style: chr18-23535590-C-T. GRCh37 (hg19) VCF-style: chr18-21115554-C-T.
Other names: short protein forms C1119Y.
Identifiers: ClinVar variation 1040533 (VCV001040533.8), dbSNP rs2058617380, ClinGen allele CA401791384.

ClinVar aggregate classification (germline): Uncertain significance (1 of 4 stars; one submission).

Conditions:
Niemann-Pick disease, type C1. Also called: NIEMANN-PICK DISEASE, VARIANT TYPE C1; NEUROVISCERAL STORAGE DISEASE WITH VERTICAL SUPRANUCLEAR OPHTHALMOPLEGIA; NIEMANN-PICK DISEASE WITH CHOLESTEROL ESTERIFICATION BLOCK; NIEMANN-PICK DISEASE WITHOUT SPHINGOMYELINASE DEFICIENCY; NIEMANN-PICK DISEASE, CHRONIC NEURONOPATHIC FORM. Identifiers: Orphanet 646, MedGen C3179455, MONDO:0009757, OMIM 257220.

Allele frequency attached by ClinVar (database versions not stated): gnomAD exomes below 0.00001.
gnomAD v4.1: 2 of 1,614,124 alleles (0.00012%); highest among the groups gnomAD compares: South Asian, 0.0011%; no homozygotes.

Submission:

Labcorp Genetics (formerly Invitae), Labcorp
Classification: Uncertain significance for Niemann-Pick disease, type C1. Last evaluated: 2024-11-11. Review status: criteria provided, single submitter. Criteria: Invitae Variant Classification Sherloc (09022015). Collection method: clinical testing. Allele origin: germline.
Comment: This sequence change replaces cysteine, which is neutral and slightly polar, with tyrosine, which is neutral and polar, at codon 1119 of the NPC1 protein (p.Cys1119Tyr). This variant is not present in population databases (gnomAD no frequency). This variant has not been reported in the literature in individuals affected with NPC1-related conditions. ClinVar contains an entry for this variant (Variation ID: 1040533). Invitae Evidence Modeling of protein sequence and biophysical properties (such as structural, functional, and spatial information, amino acid conservation, physicochemical variation, residue mobility, and thermodynamic stability) has been performed for this missense variant. However, the output from this modeling did not meet the statistical confidence thresholds required to predict the impact of this variant on NPC1 protein function. In summary, the available evidence is currently insufficient to determine the role of this variant in disease. Therefore, it has been classified as a Variant of Uncertain Significance.